The following is an entry in ClinVar:

NM_145239.3(PRRT2):c.357T>G (p.Thr119=)

Genes: MVP-DT (MVP divergent transcript; minus strand), PRRT2 (proline rich transmembrane protein 2; plus strand). Cytogenetic location: 16p11.2.
Variant type: single nucleotide variant.
Coding change: c.357T>G on transcript NM_145239.3 (MANE Select); coding-DNA position 357, T replaced by G.
Protein change: p.Thr119=; no amino-acid change (threonine 119 retained).
Molecular consequence: synonymous variant.
Genome position (GRCh38, 1-based): chr16:29,813,411, T>G. VCF-style: chr16-29813411-T-G. GRCh37 (hg19) VCF-style: chr16-29824732-T-G.
Other names: c.357T>G, p.Thr119= (NM_001256442.2, NM_001256443.2).
Identifiers: ClinVar variation 388781 (VCV000388781.13), dbSNP rs137942866, ClinGen allele CA7994515.

ClinVar aggregate classification (germline): Likely benign. Review status: criteria provided, multiple submitters, no conflicts (2 of 4 stars). 4 submissions from 4 submitters: Likely benign (4). Last evaluated 2025-07-08.

Conditions:
Episodic kinesigenic dyskinesia (EKD). Also called: Paroxysmal kinesigenic dyskinesia. Identifiers: Orphanet 98809, MedGen C1868682, MONDO:0044202.
Inborn genetic diseases. Identifiers: MedGen C0950123, MeSH D030342.

Allele frequency attached by ClinVar (database versions not stated): gnomAD exomes below 0.00001 and 0.00002; gnomAD 0.00001 and 0.00002; ExAC 0.00003; TOPMed 0.00003; ESP Exome Variant Server 0.00008.

Submissions (4):

Labcorp Genetics (formerly Invitae), Labcorp
Classification: Likely benign for Episodic kinesigenic dyskinesia. Last evaluated: 2025-07-08. Review status: criteria provided, single submitter. Criteria: Invitae Variant Classification Sherloc (09022015). Collection method: clinical testing. Allele origin: germline.

Blueprint Genetics
Classification: Likely benign. Last evaluated: 2022-07-18. Review status: criteria provided, single submitter. Criteria: ACMG Guidelines, 2015. Collection method: clinical testing. Allele origin: germline.

Ambry Genetics
Classification: Likely benign for Inborn genetic diseases. Last evaluated: 2017-06-30. Review status: criteria provided, single submitter. Criteria: Ambry Variant Classification Scheme 2023. Collection method: clinical testing. Allele origin: germline.

GeneDx
Classification: Likely benign. Last evaluated: 2016-08-22. Review status: criteria provided, single submitter. Criteria: GeneDx Variant Classification (06012015). Collection method: clinical testing. Allele origin: germline. Affected: yes.
Comment: This variant is considered likely benign or benign based on one or more of the following criteria: it is a conservative change, it occurs at a poorly conserved position in the protein, it is predicted to be benign by multiple in silico algorithms, and/or has population frequency not consistent with disease.